The following is an entry in ClinVar:

NM_004415.4(DSP):c.796A>C (p.Met266Leu)

Gene: DSP (desmoplakin; plus strand). Cytogenetic location: 6p24.3.
Variant type: single nucleotide variant.
Coding change: c.796A>C on transcript NM_004415.4 (MANE Select); coding-DNA position 796, A replaced by C.
Protein change: p.Met266Leu; replaces methionine 266 with leucine.
Molecular consequence: missense variant.
Genome position (GRCh38, 1-based): chr6:7,565,377, A>C. VCF-style: chr6-7565377-A-C. GRCh37 (hg19) VCF-style: chr6-7565610-A-C.
Other names: c.796A>C, p.Met266Leu (NM_001008844.3, NM_001319034.2); short protein forms M266L.
Identifiers: ClinVar variation 1009716 (VCV001009716.11), dbSNP rs1758827543, ClinGen allele CA362674001.

ClinVar aggregate classification (germline): Uncertain significance. Review status: criteria provided, multiple submitters, no conflicts (2 of 4 stars). 2 submissions from 2 submitters: Uncertain significance (2). Last evaluated 2023-02-01.

Conditions:
Arrhythmogenic right ventricular dysplasia 8 (ARVD8). Also called: ARRHYTHMOGENIC RIGHT VENTRICULAR DYSPLASIA, FAMILIAL, 8; ARRHYTHMOGENIC RIGHT VENTRICULAR CARDIOMYOPATHY 8; Arrhythmogenic Right Ventricular Dysplasia/Cardiomyopathy 8. Identifiers: MedGen C1843896, MONDO:0011831, OMIM 607450.
Arrhythmogenic cardiomyopathy with wooly hair and keratoderma. Also called: Arrhythmogenic cardiomyopathy with woolly hair and keratoderma; Dilated cardiomyopathy with woolly hair and keratoderma; Carvajal syndrome; PALMOPLANTAR KERATODERMA WITH LEFT VENTRICULAR CARDIOMYOPATHY AND WOOLLY HAIR. Identifiers: Orphanet 65282, MedGen C1854063, MONDO:0011581, OMIM 605676.
Cardiomyopathy (CMYO). Also called: Cardiomyopathies. Identifiers: Orphanet 167848, MedGen C0878544, MONDO:0004994, HP:0001638. Inheritance: Various modes of inheritance.

Allele frequency attached by ClinVar (database versions not stated): gnomAD 0.00001.
gnomAD v4.1: 1 of 1,613,964 alleles (0.000062%); highest among the groups gnomAD compares: African/African-American, 0.0013%; no homozygotes.

Submissions (2):

Labcorp Genetics (formerly Invitae), Labcorp
Classification: Uncertain significance for Arrhythmogenic cardiomyopathy with wooly hair and keratoderma; Arrhythmogenic right ventricular dysplasia 8. Last evaluated: 2023-02-01. Review status: criteria provided, single submitter. Criteria: Invitae Variant Classification Sherloc (09022015). Collection method: clinical testing. Allele origin: germline.
Comment: This sequence change replaces methionine, which is neutral and non-polar, with leucine, which is neutral and non-polar, at codon 266 of the DSP protein (p.Met266Leu). This variant is not present in population databases (gnomAD no frequency). This variant has not been reported in the literature in individuals affected with DSP-related conditions. ClinVar contains an entry for this variant (Variation ID: 1009716). Algorithms developed to predict the effect of missense changes on protein structure and function are either unavailable or do not agree on the potential impact of this missense change (SIFT: "Tolerated"; PolyPhen-2: "Possibly Damaging"; Align-GVGD: "Class C0"). In summary, the available evidence is currently insufficient to determine the role of this variant in disease. Therefore, it has been classified as a Variant of Uncertain Significance.

Color Diagnostics, LLC DBA Color Health
Classification: Uncertain significance for Cardiomyopathy. Last evaluated: 2022-03-03. Review status: criteria provided, single submitter. Criteria: ACMG Guidelines, 2015. Collection method: clinical testing. Allele origin: germline.
Comment: This missense variant replaces methionine with leucine at codon 266 of the DSP protein. Computational prediction suggests that this variant may not impact protein structure and function (internally defined REVEL score threshold <= 0.5, PMID: 27666373). To our knowledge, functional studies have not been reported for this variant. This variant has not been reported in individuals affected with cardiovascular disorders in the literature. This variant has not been identified in the general population by the Genome Aggregation Database (gnomAD). The available evidence is insufficient to determine the role of this variant in disease conclusively. Therefore, this variant is classified as a Variant of Uncertain Significance.